The following is an entry in ClinVar:

ClinVar aggregate classification (germline): Benign/Likely benign. Review status: criteria provided, multiple submitters, no conflicts (2 of 4 stars). 4 submissions from 4 submitters: Benign (1); Likely benign (3). Last evaluated 2025-12-26.

Conditions:
Familial adenomatous polyposis 1 (FAP1). Also called: POLYPOSIS, ADENOMATOUS INTESTINAL; FAMILIAL ADENOMATOUS POLYPOSIS 1, ATTENUATED. Identifiers: MedGen C2713442, MONDO:0021056, OMIM 175100. Disease mechanism: loss of function.
Hereditary cancer-predisposing syndrome. Also called: Hereditary Cancer Syndrome; Neoplastic Syndromes, Hereditary; Tumor predisposition; Hereditary neoplastic syndrome. Identifiers: Orphanet 140162, MedGen C0027672, MeSH D009386, MONDO:0015356.

Allele frequency attached by ClinVar (database versions not stated): TOPMed below 0.00001.

Submissions (4):

Labcorp Genetics (formerly Invitae), Labcorp
Classification: Likely benign for Familial adenomatous polyposis 1. Last evaluated: 2025-12-26. Review status: criteria provided, single submitter. Criteria: Invitae Variant Classification Sherloc (09022015). Collection method: clinical testing. Allele origin: germline.

Myriad Genetics, Inc.
Classification: Benign for Familial adenomatous polyposis 1. Last evaluated: 2024-03-04. Review status: criteria provided, single submitter. Criteria: Myriad Autosomal Dominant, Autosomal Recessive and X-Linked Classification Criteria (2023). Collection method: clinical testing. Allele origin: unknown.
Comment: This variant is considered benign. This variant is a silent/synonymous amino acid change and it is not expected to impact splicing.

Color Diagnostics, LLC DBA Color Health
Classification: Likely benign for Hereditary cancer-predisposing syndrome. Last evaluated: 2017-06-14. Review status: criteria provided, single submitter. Criteria: ACMG Guidelines, 2015. Collection method: clinical testing. Allele origin: germline.

Ambry Genetics
Classification: Likely benign for Hereditary cancer-predisposing syndrome. Last evaluated: 2015-12-03. Review status: criteria provided, single submitter. Criteria: Ambry Variant Classification Scheme 2023. Collection method: clinical testing. Allele origin: germline.

NM_000038.6(APC):c.1503T>G (p.Ala501=)

Gene: APC (APC regulator of Wnt signaling pathway; plus strand). Cytogenetic location: 5q22.2.
Variant type: single nucleotide variant.
Coding change: c.1503T>G on transcript NM_000038.6 (MANE Select); coding-DNA position 1503, T replaced by G.
Protein change: p.Ala501=; no amino-acid change (alanine 501 retained).
Molecular consequence: synonymous variant.
Genome position (GRCh38, 1-based): chr5:112,827,202, T>G. VCF-style: chr5-112827202-T-G. GRCh37 (hg19) VCF-style: chr5-112162899-T-G.
Other names: c.1503T>G, p.Ala501= (NM_001127510.3, NM_001354895.2); c.1449T>G, p.Ala483= (NM_001127511.3); c.1557T>G, p.Ala519= (NM_001354896.2); c.1533T>G, p.Ala511= (NM_001354897.2); c.1428T>G, p.Ala476= (NM_001354898.2); c.1419T>G, p.Ala473= (NM_001354899.2); c.1380T>G, p.Ala460= (NM_001354900.2); c.1326T>G, p.Ala442= (NM_001354901.2); and 5 more.
Identifiers: ClinVar variation 490209 (VCV000490209.13), dbSNP rs201664378, ClinGen allele CA445756052.